The following is an entry in ClinVar:

NM_015178.3(RHOBTB2):c.219A>G (p.Val73=)

Gene: RHOBTB2 (Rho related BTB domain containing 2; plus strand). Cytogenetic location: 8p21.3.
Variant type: single nucleotide variant.
Coding change: c.219A>G on transcript NM_015178.3 (MANE Select); coding-DNA position 219, A replaced by G.
Protein change: p.Val73=; no amino-acid change (valine 73 retained).
Molecular consequence: synonymous variant.
Genome position (GRCh38, 1-based): chr8:23,005,398, A>G. VCF-style: chr8-23005398-A-G. GRCh37 (hg19) VCF-style: chr8-22862911-A-G.
Other names: c.285A>G, p.Val95= (NM_001160036.2); c.240A>G, p.Val80= (NM_001160037.2); c.219A>G, p.Val73= (NM_001374791.1).
Identifiers: ClinVar variation 4872796 (VCV004872796.2).
Genomic context (GRCh38, chr8:23,005,398, plus strand): 5'-GCCTTCGAGTCCCACTCTTCCTCCCCGTCCCCAGGTGCTGGAACGCTCCCGAGACGTGGT[A>G]GATGATGTCAGCGTCTCTCTGCGCCTCTGGGACACCTTTGGAGACCACCACAAAGACCGT-3'
Protein context (NP_055993.2, residues 63-83): QEVLERSRDV[Val73=]DDVSVSLRLW

ClinVar aggregate classification (germline): Likely benign (1 of 4 stars; one submission).

Submission:

CeGaT Center for Human Genetics Tuebingen
Classification: Likely benign. Last evaluated: 2026-05-01. Review status: criteria provided, single submitter. Criteria: CeGaT Center For Human Genetics Tuebingen Variant Classification Criteria Version 2. Collection method: clinical testing. Allele origin: germline. Affected: yes. Observed: 1 variant allele.
Comment: RHOBTB2: PM2:Supporting, BP4, BP7